The following is an entry in ClinVar:

NM_014319.5(LEMD3):c.106C>T (p.Arg36Cys)

Gene: LEMD3 (LEM domain containing 3; plus strand). Cytogenetic location: 12q14.3.
Variant type: single nucleotide variant.
Coding change: c.106C>T on transcript NM_014319.5 (MANE Select); coding-DNA position 106, C replaced by T.
Protein change: p.Arg36Cys; replaces arginine 36 with cysteine.
Molecular consequence: missense variant.
Genome position (GRCh38, 1-based): chr12:65,169,702, C>T. VCF-style: chr12-65169702-C-T. GRCh37 (hg19) VCF-style: chr12-65563482-C-T.
Other names: c.106C>T, p.Arg36Cys (NM_001167614.2); short protein forms R36C.
Identifiers: ClinVar variation 3657450 (VCV003657450.2).

ClinVar aggregate classification (germline): Uncertain significance (1 of 4 stars; one submission).

Submission:

Labcorp Genetics (formerly Invitae), Labcorp
Classification: Uncertain significance. Last evaluated: 2024-06-22. Review status: criteria provided, single submitter. Criteria: Invitae Variant Classification Sherloc (09022015). Collection method: clinical testing. Allele origin: germline.
Comment: This sequence change replaces arginine, which is basic and polar, with cysteine, which is neutral and slightly polar, at codon 36 of the LEMD3 protein (p.Arg36Cys). This variant is not present in population databases (gnomAD no frequency). This variant has not been reported in the literature in individuals affected with LEMD3-related conditions. Advanced modeling of protein sequence and biophysical properties (such as structural, functional, and spatial information, amino acid conservation, physicochemical variation, residue mobility, and thermodynamic stability) performed at Invitae indicates that this missense variant is expected to disrupt LEMD3 protein function with a positive predictive value of 80%. In summary, the available evidence is currently insufficient to determine the role of this variant in disease. Therefore, it has been classified as a Variant of Uncertain Significance.